The following is an entry in ClinVar:

NM_003002.4(SDHD):c.272T>A (p.Met91Lys)

Gene: SDHD (succinate dehydrogenase complex subunit D; plus strand). Cytogenetic location: 11q23.1.
Variant type: single nucleotide variant.
Coding change: c.272T>A on transcript NM_003002.4 (MANE Select); coding-DNA position 272, T replaced by A.
Protein change: p.Met91Lys; replaces methionine 91 with lysine.
Molecular consequence: missense variant. On other transcripts: non-coding transcript variant (1), intron variant (1).
Genome position (GRCh38, 1-based): chr11:112,088,969, T>A. VCF-style: chr11-112088969-T-A. GRCh37 (hg19) VCF-style: chr11-111959693-T-A.
Other names: c.155T>A, p.Met52Lys (NM_001276504.2); c.272T>A, p.Met91Lys (NM_001276506.2); c.169+996T>A (NM_001276503.2); c.272T>A (NM_003002.2); short protein forms M91K, M52K.
Identifiers: ClinVar variation 645757 (VCV000645757.7), dbSNP rs1592780595, ClinGen allele CA382617353.

ClinVar aggregate classification (germline): Uncertain significance. Review status: criteria provided, multiple submitters, no conflicts (2 of 4 stars). 2 submissions from 2 submitters: Uncertain significance (2). Last evaluated 2026-06-12.

Conditions:
Hereditary cancer-predisposing syndrome. Also called: Tumor predisposition; Hereditary Cancer Syndrome; Neoplastic Syndromes, Hereditary; Hereditary neoplastic syndrome. Identifiers: Orphanet 140162, MedGen C0027672, MeSH D009386, MONDO:0015356.
Cowden syndrome 3 (CWS3). Identifiers: Orphanet 201, MedGen CN166604, MONDO:0014045.
Pheochromocytoma. Also called: MAX-Related Hereditary Paraganglioma-Pheochromocytoma Syndrome. Identifiers: Orphanet 29072, MedGen C0031511, MONDO:0008233, OMIM 171300, HP:0002666.
Paragangliomas with sensorineural hearing loss. Identifiers: MedGen C1868633.
Carney-Stratakis syndrome. Also called: PARAGANGLIOMA AND GASTROINTESTINAL STROMAL TUMOR. Identifiers: Orphanet 97286, MedGen C1847319, MONDO:0011740, OMIM 606864.

Submissions (2):

Ambry Genetics
Classification: Uncertain significance for Hereditary cancer-predisposing syndrome. Last evaluated: 2026-06-12. Review status: criteria provided, single submitter. Criteria: Ambry Variant Classification Scheme 2023. Collection method: clinical testing. Allele origin: germline.
Comment: The p.M91K variant (also known as c.272T>A), located in coding exon 3 of the SDHD gene, results from a T to A substitution at nucleotide position 272. The methionine at codon 91 is replaced by lysine, an amino acid with similar properties. This amino acid position is conserved. In addition, this alteration is predicted to be deleterious by in silico analysis. Based on the available evidence, the clinical significance of this variant remains unclear.

Labcorp Genetics (formerly Invitae), Labcorp
Classification: Uncertain significance for Carney-Stratakis syndrome; Paragangliomas with sensorineural hearing loss; Pheochromocytoma; Cowden syndrome 3. Last evaluated: 2018-07-26. Review status: criteria provided, single submitter. Criteria: Invitae Variant Classification Sherloc (09022015). Collection method: clinical testing. Allele origin: germline.
Comment: This sequence change replaces methionine with lysine at codon 91 of the SDHD protein (p.Met91Lys). The methionine residue is moderately conserved and there is a moderate physicochemical difference between methionine and lysine. This variant is not present in population databases (ExAC no frequency). This variant has not been reported in the literature in individuals with SDHD-related disease. Algorithms developed to predict the effect of missense changes on protein structure and function are either unavailable or do not agree on the potential impact of this missense change (SIFT: "Deleterious"; PolyPhen-2: "Benign"; Align-GVGD: "Class C35"). Algorithms developed to predict the effect of sequence changes on RNA splicing suggest that this variant may create or strengthen a splice site, but this prediction has not been confirmed by published transcriptional studies. In summary, the available evidence is currently insufficient to determine the role of this variant in disease. Therefore, it has been classified as a Variant of Uncertain Significance.